The following is an entry in ClinVar:

NM_001035.3(RYR2):c.2904G>C (p.Lys968Asn)

Gene: RYR2 (ryanodine receptor 2; plus strand). Cytogenetic location: 1q43.
Variant type: single nucleotide variant.
Coding change: c.2904G>C on transcript NM_001035.3 (MANE Select); coding-DNA position 2904, G replaced by C.
Protein change: p.Lys968Asn; replaces lysine 968 with asparagine.
Molecular consequence: missense variant.
Genome position (GRCh38, 1-based): chr1:237,530,508, G>C. VCF-style: chr1-237530508-G-C. GRCh37 (hg19) VCF-style: chr1-237693808-G-C.
Other names: short protein forms K968N.
Identifiers: ClinVar variation 1036287 (VCV001036287.9), dbSNP rs768807940, ClinGen allele CA086227.

ClinVar aggregate classification (germline): Uncertain significance (1 of 4 stars; one submission).

Conditions:
Catecholaminergic polymorphic ventricular tachycardia 1. Also called: RYR2-Related Catecholaminergic Polymorphic Ventricular Tachycardia; VENTRICULAR TACHYCARDIA, STRESS-INDUCED POLYMORPHIC 1; VENTRICULAR TACHYCARDIA, CATECHOLAMINERGIC POLYMORPHIC, 1, WITH OR WITHOUT ATRIAL DYSFUNCTION AND/OR DILATED CARDIOMYOPATHY. Identifiers: Orphanet 3286, MedGen C1631597, MONDO:0011484, OMIM 604772.

Allele frequency attached by ClinVar (database versions not stated): gnomAD exomes below 0.00001; gnomAD 0.00001; ExAC 0.00002.
gnomAD v4.1: 4 of 1,592,164 alleles (0.00025%); highest among the groups gnomAD compares: Non-Finnish European, 0.00026%; no homozygotes.

Submission:

Labcorp Genetics (formerly Invitae), Labcorp
Classification: Uncertain significance for Catecholaminergic polymorphic ventricular tachycardia 1. Last evaluated: 2024-07-22. Review status: criteria provided, single submitter. Criteria: Invitae Variant Classification Sherloc (09022015). Collection method: clinical testing. Allele origin: germline.
Comment: This sequence change replaces lysine, which is basic and polar, with asparagine, which is neutral and polar, at codon 968 of the RYR2 protein (p.Lys968Asn). This variant is present in population databases (rs768807940, gnomAD 0.001%). This variant has not been reported in the literature in individuals affected with RYR2-related conditions. ClinVar contains an entry for this variant (Variation ID: 1036287). An algorithm developed to predict the effect of missense changes on protein structure and function (PolyPhen-2) suggests that this variant¬†is likely to be tolerated. In summary, the available evidence is currently insufficient to determine the role of this variant in disease. Therefore, it has been classified as a Variant of Uncertain Significance.